The following is an entry in ClinVar:

NM_000704.3(ATP4A):c.2002C>T (p.Arg668Cys)

Gene: ATP4A (ATPase H+/K+ transporting subunit alpha; minus strand). Cytogenetic location: 19q13.12.
Variant type: single nucleotide variant.
Coding change: c.2002C>T on transcript NM_000704.3 (MANE Select); coding-DNA position 2002, C replaced by T.
Protein change: p.Arg668Cys; replaces arginine 668 with cysteine.
Molecular consequence: missense variant.
Genome position (GRCh38, 1-based): chr19:35,555,680, G>A on the plus strand (C>T on the coding strand, the complement: ATP4A is on the minus strand). VCF-style: chr19-35555680-G-A. GRCh37 (hg19) VCF-style: chr19-36046582-G-A.
Other names: short protein forms R668C.
Identifiers: ClinVar variation 2082602 (VCV002082602.5), dbSNP rs138654635, ClinGen allele CA9380928.

ClinVar aggregate classification (germline): Uncertain significance. Review status: criteria provided, multiple submitters, no conflicts (2 of 4 stars). 2 submissions from 2 submitters: Uncertain significance (2). Last evaluated 2024-10-28.

Allele frequency attached by ClinVar (database versions not stated): ESP Exome Variant Server 0.00015; gnomAD exomes 0.00018; 1000 Genomes Project 0.00020; ExAC 0.00021; 1000 Genomes Project 30x 0.00031; gnomAD 0.00033; TOPMed 0.00040.

Submissions (2):

Labcorp Genetics (formerly Invitae), Labcorp
Classification: Uncertain significance. Last evaluated: 2024-10-28. Review status: criteria provided, single submitter. Criteria: Invitae Variant Classification Sherloc (09022015). Collection method: clinical testing. Allele origin: germline.
Comment: This sequence change replaces arginine, which is basic and polar, with cysteine, which is neutral and slightly polar, at codon 668 of the ATP4A protein (p.Arg668Cys). This variant is present in population databases (rs138654635, gnomAD 0.07%), and has an allele count higher than expected for a pathogenic variant. This missense change has been observed in individual(s) with gastric cancer (PMID: 33525650). ClinVar contains an entry for this variant (Variation ID: 2082602). An algorithm developed to predict the effect of missense changes on protein structure and function (PolyPhen-2) suggests that this variant is likely to be disruptive. In summary, the available evidence is currently insufficient to determine the role of this variant in disease. Therefore, it has been classified as a Variant of Uncertain Significance.

Ambry Genetics
Classification: Uncertain significance. Last evaluated: 2021-07-15. Review status: criteria provided, single submitter. Criteria: Ambry Variant Classification Scheme 2023. Collection method: clinical testing. Allele origin: germline.

Literature cited by the submitters: PubMed 33525650 (cited by Labcorp Genetics (formerly Invitae), Labcorp).